The following is an entry in ClinVar:

ClinVar aggregate classification (germline): Uncertain significance (1 of 4 stars; one submission).

Conditions:
Idiopathic generalized epilepsy. Also called: Generalised epilepsy; EIG. Identifiers: MedGen C0270850, MONDO:0005579, OMIM 600669.
Hyperaldosteronism, familial, type IV (HALD4). Also called: FH IV; ALDOSTERONISM, PRIMARY, AND HYPERTENSION. Identifiers: Orphanet 642671, MedGen C4310756, MONDO:0014875, OMIM 617027.

Submission:

Labcorp Genetics (formerly Invitae), Labcorp
Classification: Uncertain significance for Idiopathic generalized epilepsy; Hyperaldosteronism, familial, type IV. Last evaluated: 2025-09-02. Review status: criteria provided, single submitter. Criteria: Invitae Variant Classification Sherloc (09022015). Collection method: clinical testing. Allele origin: germline.
Comment: This sequence change creates a premature translational stop signal (p.Asp2145Glufs*43) in the CACNA1H gene. While this is not anticipated to result in nonsense mediated decay, it is expected to disrupt the last 209 amino acid(s) of the CACNA1H protein. This variant is not present in population databases (gnomAD no frequency). This variant has not been reported in the literature in individuals affected with CACNA1H-related conditions. ClinVar contains an entry for this variant (Variation ID: 2937782). Experimental studies and prediction algorithms are not available or were not evaluated, and the functional significance of this variant is currently unknown. In summary, the available evidence is currently insufficient to determine the role of this variant in disease. Therefore, it has been classified as a Variant of Uncertain Significance.

NM_021098.3(CACNA1H):c.6435del (p.Asp2145fs)

Gene: CACNA1H (calcium voltage-gated channel subunit alpha1 H; plus strand). Cytogenetic location: 16p13.3.
Variant type: Deletion.
Coding change: c.6435del on transcript NM_021098.3 (MANE Select); coding-DNA position 6435, one base deleted (C; older notation c.6435delC).
Protein change: p.Asp2145fs; shifts the reading frame from aspartic acid 2145.
Molecular consequence: frameshift variant.
Genome position (GRCh38, 1-based): chr16:1,220,367, C deleted. VCF-style (leftmost placement, unchanged base first): chr16-1220366-AC-A. GRCh37 (hg19) VCF-style: chr16-1270366-AC-A.
Other names: c.6417del, p.Asp2139fs (NM_001005407.2); short protein forms D2145fs, D2139fs.
Identifiers: ClinVar variation 2937782 (VCV002937782.3), dbSNP rs2548736485, ClinGen allele CA2740096816.